The following is an entry in ClinVar:

ClinVar aggregate classification (germline): Conflicting classifications of pathogenicity. Review status: criteria provided, conflicting classifications (1 of 4 stars). 5 submissions from 5 submitters: Likely pathogenic (1); Uncertain significance (3). 1 of the submissions does not count toward it. Last evaluated 2023-06-02.

Conditions:
Hereditary cancer-predisposing syndrome. Also called: Neoplastic Syndromes, Hereditary; Tumor predisposition; Hereditary Cancer Syndrome; Hereditary neoplastic syndrome. Identifiers: Orphanet 140162, MedGen C0027672, MeSH D009386, MONDO:0015356.
Ovarian cancer. Also called: OVARIAN CANCER, SOMATIC. Identifiers: Orphanet 213500, MedGen C1140680, MONDO:0008170, OMIM 167000.
Gastrointestinal stromal tumor of small intestine. Also called: Small Intestinal Gastrointestinal Stromal Tumor. Identifiers: MedGen C1335996.
Familial adenomatous polyposis 1 (FAP1). Also called: FAMILIAL ADENOMATOUS POLYPOSIS 1, ATTENUATED; POLYPOSIS, ADENOMATOUS INTESTINAL. Identifiers: MedGen C2713442, MONDO:0021056, OMIM 175100. Disease mechanism: loss of function.

Allele frequency attached by ClinVar (database versions not stated): TOPMed below 0.00001; gnomAD 0.00001.
gnomAD v4.1: 2 of 1,614,070 alleles (0.00012%); highest among the groups gnomAD compares: East Asian, 0.0022%; no homozygotes.

Submissions (5):

Labcorp Genetics (formerly Invitae), Labcorp
Classification: Uncertain significance for Familial adenomatous polyposis 1. Last evaluated: 2023-06-02. Review status: criteria provided, single submitter. Criteria: Invitae Variant Classification Sherloc (09022015). Collection method: clinical testing. Allele origin: germline.
Comment: In summary, the available evidence is currently insufficient to determine the role of this variant in disease. Therefore, it has been classified as a Variant of Uncertain Significance. Advanced modeling of protein sequence and biophysical properties (such as structural, functional, and spatial information, amino acid conservation, physicochemical variation, residue mobility, and thermodynamic stability) performed at Invitae indicates that this missense variant is not expected to disrupt APC protein function. ClinVar contains an entry for this variant (Variation ID: 482326). This variant has not been reported in the literature in individuals affected with APC-related conditions. This variant is not present in population databases (gnomAD no frequency). This sequence change replaces asparagine, which is neutral and polar, with histidine, which is basic and polar, at codon 1531 of the APC protein (p.Asn1531His).

Laboratory of Molecular Epidemiology of Birth Defects, West China Second University Hospital, Sichuan University
Classification: Likely pathogenic for Ovarian cancer. Last evaluated: 2022-01-01. Review status: criteria provided, single submitter. Criteria: ACMG Guidelines, 2015. Collection method: clinical testing. Allele origin: germline. Affected: yes.

Color Diagnostics, LLC DBA Color Health
Classification: Uncertain significance for Hereditary cancer-predisposing syndrome. Last evaluated: 2021-02-03. Review status: criteria provided, single submitter. Criteria: ACMG Guidelines, 2015. Collection method: clinical testing. Allele origin: germline.
Comment: This missense variant replaces asparagine with histidine at codon 1531 of the APC protein. Computational prediction suggests that this variant may not impact protein structure and function (internally defined REVEL score threshold <= 0.5, PMID: 27666373). Splice site prediction tools suggest that this variant may not impact RNA splicing. To our knowledge, functional studies have not been performed for this variant. This variant has not been reported in individuals affected with hereditary cancer in the literature. This variant has not been identified in the general population by the Genome Aggregation Database (gnomAD). The available evidence is insufficient to determine the role of this variant in disease conclusively. Therefore, this variant is classified as a Variant of Uncertain Significance.

Ambry Genetics
Classification: Uncertain significance for Hereditary cancer-predisposing syndrome. Last evaluated: 2016-03-25. Review status: criteria provided, single submitter. Criteria: Ambry Variant Classification Scheme 2023. Collection method: clinical testing. Allele origin: germline.
Comment: The p.N1531H variant (also known as c.4591A>C), located in coding exon 15 of the APC gene, results from an A to C substitution at nucleotide position 4591. The asparagine at codon 1531 is replaced by histidine, an amino acid with similar properties. This variant was not reported in population based cohorts in the following databases: Database of Single Nucleotide Polymorphisms (dbSNP), NHLBI Exome Sequencing Project (ESP), and 1000 Genomes Project. In the ESP, this variant was not observed in 6502 samples (13004 alleles) with coverage at this position. To date, this alteration has been detected with an allele frequency of approximately 0.001% (greater than 70000 alleles tested) in our clinical cohort. This amino acid position is highly conserved in available vertebrate species. In addition, in silico predictors for this gene do not accurately predict pathogenicity. Since supporting evidence is limited at this time, the clinical significance of this alteration remains unclear.

3DMed Clinical Laboratory Inc
Classification: Uncertain significance for Small Intestinal Gastrointestinal Stromal Tumor. Last evaluated: 2017-07-31. Review status: no assertion criteria provided. Criteria: ACMG Guidelines, 2015. Collection method: clinical testing. Allele origin: germline. Affected: yes. Not counted in ClinVar's aggregate classification.

NM_000038.6(APC):c.4591A>C (p.Asn1531His)

Gene: APC (APC regulator of Wnt signaling pathway; plus strand). Cytogenetic location: 5q22.2.
Variant type: single nucleotide variant.
Coding change: c.4591A>C on transcript NM_000038.6 (MANE Select); coding-DNA position 4591, A replaced by C.
Protein change: p.Asn1531His; replaces asparagine 1531 with histidine.
Molecular consequence: missense variant.
Genome position (GRCh38, 1-based): chr5:112,840,185, A>C. VCF-style: chr5-112840185-A-C. GRCh37 (hg19) VCF-style: chr5-112175882-A-C.
Other names: c.4591A>C, p.Asn1531His (NM_001127510.3, NM_001354895.2); c.4537A>C, p.Asn1513His (NM_001127511.3); c.4645A>C, p.Asn1549His (NM_001354896.2); c.4621A>C, p.Asn1541His (NM_001354897.2); c.4516A>C, p.Asn1506His (NM_001354898.2); c.4507A>C, p.Asn1503His (NM_001354899.2); c.4468A>C, p.Asn1490His (NM_001354900.2); c.4414A>C, p.Asn1472His (NM_001354901.2); and 5 more; short protein forms N1513H, N1531H, N1440H, N1472H, N1541H, N1549H, N1248H, N1405H.
Identifiers: ClinVar variation 482326 (VCV000482326.58), dbSNP rs771096141, ClinGen allele CA16031385.
Genomic context (GRCh38, chr5:112,840,185, plus strand): 5'-CTCGATGAGCCATTTATACAGAAAGATGTGGAATTAAGAATAATGCCTCCAGTTCAGGAA[A>C]ATGACAATGGGAATGAAACAGAATCAGAGCAGCCTAAAGAATCAAATGAAAACCAAGAGA-3'
Protein context (NP_000029.2, residues 1521-1541): ELRIMPPVQE[Asn1531His]DNGNETESEQ